The following is an entry in ClinVar:

NM_024675.4(PALB2):c.2996G>A (p.Gly999Glu)

Gene: PALB2 (partner and localizer of BRCA2; minus strand). Cytogenetic location: 16p12.2.
Variant type: single nucleotide variant.
Coding change: c.2996G>A on transcript NM_024675.4 (MANE Select); coding-DNA position 2996, G replaced by A.
Protein change: p.Gly999Glu; replaces glycine 999 with glutamic acid.
Molecular consequence: missense variant.
Genome position (GRCh38, 1-based): chr16:23,622,969, C>T on the plus strand (G>A on the coding strand, the complement: PALB2 is on the minus strand). VCF-style: chr16-23622969-C-T. GRCh37 (hg19) VCF-style: chr16-23634290-C-T.
Other names: short protein forms G999E.
Identifiers: ClinVar variation 853174 (VCV000853174.2), dbSNP rs1597081049, ClinGen allele CA395143832.

ClinVar aggregate classification (germline): Uncertain significance (1 of 4 stars; one submission).

Conditions:
Familial cancer of breast. Also called: Hereditary breast cancer; hereditary breast carcinoma; BREAST CANCER, FAMILIAL. Identifiers: Orphanet 227535, MedGen C0346153, MONDO:0016419, OMIM 114480. Disease mechanism: loss of function.

Submission:

Labcorp Genetics (formerly Invitae), Labcorp
Classification: Uncertain significance for Hereditary Breast Carcinoma. Last evaluated: 2019-11-29. Review status: criteria provided, single submitter. Criteria: Invitae Variant Classification Sherloc (09022015). Collection method: clinical testing. Allele origin: germline.
Comment: This sequence change replaces glycine with glutamic acid at codon 999 of the PALB2 protein (p.Gly999Glu). The glycine residue is weakly conserved and there is a moderate physicochemical difference between glycine and glutamic acid. This variant also falls at the last nucleotide of exon 9 of the PALB2 coding sequence, which is part of the consensus splice site for this exon. This variant is not present in population databases (ExAC no frequency). This variant has not been reported in the literature in individuals with PALB2-related conditions. Algorithms developed to predict the effect of missense changes on protein structure and function are either unavailable or do not agree on the potential impact of this missense change (SIFT: "Tolerated"; PolyPhen-2: "Possibly Damaging"; Align-GVGD: "Class C0"). Nucleotide substitutions within the consensus splice site are a relatively common cause of aberrant splicing (PMID: 17576681, 9536098). Algorithms developed to predict the effect of sequence changes on RNA splicing suggest that this variant may disrupt the consensus splice site, but this prediction has not been confirmed by published transcriptional studies. In summary, the available evidence is currently insufficient to determine the role of this variant in disease. Therefore, it has been classified as a Variant of Uncertain Significance.